The following is an entry in ClinVar:

ClinVar aggregate classification (germline): Pathogenic (0 of 4 stars; one submission).

Conditions:
Fanconi anemia complementation group C (FANCC). Also called: Fanconi anemia, group C; FANCC-Related Fanconi Anemia; FANCONI PANCYTOPENIA, TYPE 3; FACC. Identifiers: Orphanet 84, MedGen C3468041, MONDO:0009213, OMIM 227645.

Submission:

Leiden Open Variation Database
Classification: Pathogenic for Fanconi anemia complementation group C. Last evaluated: 2020-02-28. Review status: no assertion criteria provided. Collection method: curation. Allele origin: germline. Affected: yes.
Comment: Curator: Arleen D. Auerbach. Submitter to LOVD: Arleen D. Auerbach.

Literature cited by the submitters: PubMed 08882868.

NM_000136.3(FANCC):c.1550dup (p.Ile518fs)

Genes: AOPEP (aminopeptidase O (putative); plus strand), FANCC (FA complementation group C; minus strand). Cytogenetic location: 9q22.32.
Variant type: Duplication.
Coding change: c.1550dup on transcript NM_000136.3 (MANE Select); coding-DNA position 1550, one base duplicated (A; older notation c.1550dupA).
Protein change: p.Ile518fs; shifts the reading frame from isoleucine 518.
Molecular consequence: frameshift variant.
Genome position (GRCh38, 1-based): chr9:95,101,834, T duplicated on the plus strand (A on the coding strand, the reverse complement: FANCC is on the minus strand). VCF-style (leftmost placement, unchanged base first): chr9-95101833-C-CT. GRCh37 (hg19) VCF-style: chr9-97864115-C-CT.
Other names: c.1550dup, p.Ile518fs (NM_001243743.2); short protein forms I518fs.
Identifiers: ClinVar variation 929818 (VCV000929818.1), dbSNP rs2071089000, ClinGen allele CA1139661051.